The following is an entry in ClinVar:

ClinVar aggregate classification (germline): Benign/Likely benign. Review status: criteria provided, multiple submitters, no conflicts (2 of 4 stars). 6 submissions from 6 submitters: Benign (5); Likely benign (1). Last evaluated 2026-02-03.

Conditions:
Microcytic anemia. Identifiers: MedGen C5194182, MONDO:0001245, HP:0001935. Disease mechanism: loss of function.

Allele frequency attached by ClinVar (database versions not stated): 1000 Genomes Project 0.00639; 1000 Genomes Project 30x 0.00640; ESP Exome Variant Server 0.01130; ExAC 0.01142; gnomAD exomes 0.01154 and 0.01567; TOPMed 0.01174; gnomAD 0.01175 and 0.01239.
gnomAD v4.1: 24,617 of 1,613,528 alleles (1.5%); highest among the groups gnomAD compares: Non-Finnish European, 1.8%; 228 homozygotes.

Submissions (6):

Labcorp Genetics (formerly Invitae), Labcorp
Classification: Benign. Last evaluated: 2026-02-03. Review status: criteria provided, single submitter. Criteria: Invitae Variant Classification Sherloc (09022015). Collection method: clinical testing. Allele origin: germline.

Blueprint Genetics
Classification: Likely benign. Last evaluated: 2024-11-28. Review status: criteria provided, single submitter. Criteria: ACMG Guidelines, 2015. Collection method: clinical testing. Allele origin: germline.

Mayo Clinic Laboratories, Mayo Clinic
Classification: Benign. Last evaluated: 2023-07-26. Review status: criteria provided, single submitter. Criteria: ACMG Guidelines, 2015. Collection method: clinical testing. Allele origin: germline. Observed: 19 variant alleles.
Comment: BS1, BS2, BP4, BP7

Illumina Laboratory Services, Illumina
Classification: Benign for Iron-refractory iron deficiency anemia. Last evaluated: 2018-01-12. Review status: criteria provided, single submitter. Criteria: ICSL Variant Classification Criteria 13 December 2019. Collection method: clinical testing. Allele origin: germline.
Comment: This variant was observed in the ICSL laboratory as part of a predisposition screen in an ostensibly healthy population. It had not been previously curated by ICSL or reported in the Human Gene Mutation Database (HGMD: prior to June 1st, 2018), and was therefore a candidate for classification through an automated scoring system. Utilizing variant allele frequency, disease prevalence and penetrance estimates, and inheritance mode, an automated score was calculated to assess if this variant is too frequent to cause the disease. Based on the score and internal cut-off values, a variant classified as benign is not then subjected to further curation. The score for this variant resulted in a classification of benign for this disease.

Breakthrough Genomics
Classification: Benign. Review status: criteria provided, single submitter. Criteria: ACMG Guidelines, 2015. Collection method: not provided. Allele origin: germline. Inheritance: Autosomal recessive inheritance. Affected: yes.

PreventionGenetics, part of Exact Sciences
Classification: Benign. Review status: criteria provided, single submitter. Criteria: ACMG Guidelines, 2015. Collection method: clinical testing. Allele origin: germline.

NM_001374504.1(TMPRSS6):c.1441+10C>T

Gene: TMPRSS6 (transmembrane serine protease 6; minus strand). Cytogenetic location: 22q12.3.
Variant type: single nucleotide variant.
Coding change: c.1441+10C>T on transcript NM_001374504.1 (MANE Select); 10 bases into the intron after coding-DNA position 1441, C replaced by T.
Molecular consequence: intron variant.
Genome position (GRCh38, 1-based): chr22:37,074,600, G>A on the plus strand (C>T on the coding strand, the complement: TMPRSS6 is on the minus strand). VCF-style: chr22-37074600-G-A. GRCh37 (hg19) VCF-style: chr22-37470640-G-A.
Other names: p.?; c.1441+10C>T (NM_001289000.2, NM_001289001.2, NM_153609.4).
Identifiers: ClinVar variation 262721 (VCV000262721.16), dbSNP rs79816125, ClinGen allele CA10215616.